The following is an entry in ClinVar:

ClinVar aggregate classification (germline): Uncertain significance. Review status: criteria provided, multiple submitters, no conflicts (2 of 4 stars). 2 submissions from 2 submitters: Uncertain significance (2). Last evaluated 2026-05-08.

Conditions:
Brugada syndrome. Also called: Sudden unexpected nocturnal death syndrome; Sudden Unexplained Death Syndrome; Sudden Unexplained Nocturnal Death Syndrome (SUNDS); Sudden unexplained nocturnal death syndrome. Identifiers: Orphanet 130, MedGen C1142166, MONDO:0015263.
Cardiovascular phenotype. Identifiers: MedGen CN230736.

gnomAD v4.1: 9 of 1,604,134 alleles (0.00056%); highest among the groups gnomAD compares: Non-Finnish European, 0.00077%; no homozygotes.

Submissions (2):

Ambry Genetics
Classification: Uncertain significance for Cardiovascular phenotype. Last evaluated: 2026-05-08. Review status: criteria provided, single submitter. Criteria: Ambry Variant Classification Scheme 2023. Collection method: clinical testing. Allele origin: germline.
Comment: The c.2835A>T variant (also known as p.A945A), located in coding exon 35 of the CACNA2D1 gene, results from an A to T substitution at nucleotide position 2835. This nucleotide substitution does not change the alanine at codon 945. This nucleotide position is well conserved in available vertebrate species. In silico splice site analysis predicts that this alteration may weaken the native splice donor site. Based on the available evidence, the clinical significance of this variant remains unclear.

Labcorp Genetics (formerly Invitae), Labcorp
Classification: Uncertain significance for Brugada syndrome. Last evaluated: 2022-03-18. Review status: criteria provided, single submitter. Criteria: Invitae Variant Classification Sherloc (09022015). Collection method: clinical testing. Allele origin: germline.
Comment: In summary, the available evidence is currently insufficient to determine the role of this variant in disease. Therefore, it has been classified as a Variant of Uncertain Significance. Algorithms developed to predict the effect of sequence changes on RNA splicing suggest that this variant may disrupt the consensus splice site. This variant has not been reported in the literature in individuals affected with CACNA2D1-related conditions. This variant is not present in population databases (gnomAD no frequency). This sequence change affects codon 945 of the CACNA2D1 mRNA. It is a 'silent' change, meaning that it does not change the encoded amino acid sequence of the CACNA2D1 protein. It affects a nucleotide within the consensus splice site.

NM_000722.4(CACNA2D1):c.2835A>T (p.Ala945=)

Gene: CACNA2D1 (calcium voltage-gated channel auxiliary subunit alpha2delta 1; minus strand). Cytogenetic location: 7q21.11.
Variant type: single nucleotide variant.
Coding change: c.2835A>T on transcript NM_000722.4 (MANE Select); coding-DNA position 2835, A replaced by T.
Protein change: p.Ala945=; no amino-acid change (alanine 945 retained).
Molecular consequence: synonymous variant.
Genome position (GRCh38, 1-based): chr7:81,962,441, T>A on the plus strand (A>T on the coding strand, the complement: CACNA2D1 is on the minus strand). VCF-style: chr7-81962441-T-A. GRCh37 (hg19) VCF-style: chr7-81591757-T-A.
Other names: c.2871A>T, p.Ala957= (NM_001366867.1); c.2835A>T (NM_000722.2).
Identifiers: ClinVar variation 1472504 (VCV001472504.9), dbSNP rs748988843, ClinGen allele CA456130987.
Genomic context (GRCh38, chr7:81,962,441, plus strand): 5'-ACATCCCAAAAGAAAATTTTTATTGTTATGGCAATGACAAGGTCTGAGCATTTACATACC[T>A]GCCTCAAGGAGTCGTGGAAAGGTCAAACTCAAGAGAAACTGCTGTAGAATAGACCTGAAT-3'
Protein context (NP_000713.2, residues 935-955): LSLTFPRLLE[Ala945=]VEMEDDDFTA